The following is an entry in ClinVar:

NM_182548.4(LHFPL5):c.649G>A (p.Glu217Lys)

Gene: LHFPL5 (LHFPL tetraspan subfamily member 5; plus strand). Cytogenetic location: 6p21.31.
Variant type: single nucleotide variant.
Coding change: c.649G>A on transcript NM_182548.4 (MANE Select); coding-DNA position 649, G replaced by A.
Protein change: p.Glu217Lys; replaces glutamic acid 217 with lysine.
Molecular consequence: missense variant.
Genome position (GRCh38, 1-based): chr6:35,814,782, G>A. VCF-style: chr6-35814782-G-A. GRCh37 (hg19) VCF-style: chr6-35782559-G-A.
Other names: short protein forms E217K.
Identifiers: ClinVar variation 4533399 (VCV004533399.2).

ClinVar aggregate classification (germline): Conflicting classifications of pathogenicity. Review status: criteria provided, conflicting classifications (1 of 4 stars). 2 submissions from 2 submitters: Likely pathogenic (1); Uncertain significance (1). Last evaluated 2025-10-10.

Conditions:
Monogenic hearing loss.

Submissions (2):

Genetics Laboratory, Great Ormond Street Hospital NHS Foundation Trust, North Thames Genomic Laboratory Hub
Classification: Likely pathogenic for Monogenic hearing loss. Last evaluated: 2025-10-10. Review status: criteria provided, single submitter. Criteria: ACGS Best Practice Guidelines for Variant Classification in Rare Disease 2024 v1.2. Collection method: clinical testing. Allele origin: germline. Affected: yes.
Comment: PM2_moderate, PP3_supporting, PS1_supporting, PM3_moderate

Blueprint Genetics
Classification: Uncertain significance. Last evaluated: 2020-03-11. Review status: criteria provided, single submitter. Criteria: ACMG Guidelines, 2015. Collection method: clinical testing. Allele origin: germline.